The following is an entry in ClinVar:

GRCh38/hg38 10q24.32-24.33(chr10:101631826-103533735)x1

Genes: ACTR1A (actin related protein 1A; minus strand), ARL3 (ARF like GTPase 3; minus strand), ARMH3 (armadillo like helical domain containing 3; minus strand), AS3MT (arsenite methyltransferase; plus strand), ATP5MK (ATP synthase membrane subunit k; minus strand) and 154 more. Cytogenetic location: 10q24.32-24.33.
Variant type: copy number loss.
Change: copy number 1 (one copy instead of two) of chr10:101,631,826-103,533,735 (1.90 Mb, GRCh38 coordinates, 1-based), cytogenetic band 10q24.32-24.33.
Identifiers: ClinVar variation 4888380 (VCV004888380.1).

ClinVar aggregate classification (germline): Pathogenic (1 of 4 stars; one submission).

Submission:

New York Genome Center
Classification: Pathogenic. Last evaluated: 2024-07-11. Review status: criteria provided, single submitter. Criteria: NYGC Assertion Criteria 2020. Collection method: clinical testing. Allele origin: de novo. Observed: 1 variant allele.
Comment: This deletion encompasses 49genes, including 38 OMIM-associated genes, 12 of which are associated with disease in OMIM (ARL3, ATP5MK, CNNM2, CYP17A1, FGF8, GBF1, HPS6, NFKB2,NT5C2, PITX3, SUFU, and TRIM8). The deletion is absent from population databases (Database of Genomic Variation, gnomAD CNVs v4.1.0), suggesting it is nota common benign variant in the populations represented in those databases. This exact ~1.90Mb deletion is not reported in the literature to the best of our knowledge. An overlapping ~1.69Mb de novo deletion at 10q24.32-q24.33 (overlapping with the distal end of ~1.90Mb deletion observed here) was reported as Pathogenic in ClinVar [Variation ID: 58780] in an individual with polymicrogyria. Another overlapping ~11.35Mb deletion at10q24.32-25.3 (overlapping with the distal end of ~1.90Mb deletion observed here) was reported as pathogenic in ClinVar [Variation ID: 155304] in an individual with hypertelorism and abnormal facial shape. Given its presence as de novo here, the report of an individual in the literature with overlapping clinical features, and its absence in population databases, the de novo ~1.90Mb 10q24.32-q24.33 (NC_000010.11:g.101631826_103533735del) deletion is reported as Pathogenic.